The following is an entry in ClinVar:

NM_000492.4(CFTR):c.1572C>A (p.Cys524Ter)

Genes: CFTR (CF transmembrane conductance regulator; plus strand), CFTR-AS1 (CFTR antisense RNA 1; minus strand). Cytogenetic location: 7q31.2.
Variant type: single nucleotide variant.
Coding change: c.1572C>A on transcript NM_000492.4 (MANE Select); coding-DNA position 1572, C replaced by A.
Protein change: p.Cys524Ter; replaces cysteine 524 with a stop codon.
Molecular consequence: nonsense.
Genome position (GRCh38, 1-based): chr7:117,559,643, C>A. VCF-style: chr7-117559643-C-A. GRCh37 (hg19) VCF-style: chr7-117199697-C-A.
Other names: short protein forms C524*.
Identifiers: ClinVar variation 7151 (VCV000007151.16), dbSNP rs121908754, ClinGen allele CA325546.

ClinVar aggregate classification (germline): Pathogenic. Review status: reviewed by expert panel (3 of 4 stars). 8 submissions from 8 submitters: Pathogenic (1). 7 of the submissions do not count toward it. Last evaluated 2017-03-17.

Conditions:
CFTR-related disorder (CFTR-RD). Also called: CFTR-related condition; CFTR-related disorders. Identifiers: MedGen C5924204, MONDO:7770004.
Bronchiectasis with or without elevated sweat chloride 1 (BESC1). Also called: Cystic Fibrosis-Like Syndrome. Identifiers: Orphanet 60033, MedGen C2749757, MONDO:0008887, OMIM 211400.
Cystic fibrosis (CF). Also called: MUCOVISCIDOSIS. Identifiers: Orphanet 586, MedGen C0010674, MONDO:0009061, OMIM 219700. Disease mechanism: loss of function.

Allele frequency attached by ClinVar (database versions not stated): gnomAD exomes below 0.00001; gnomAD 0.00001.
gnomAD v4.1: 3 of 1,611,678 alleles (0.00019%); highest among the groups gnomAD compares: Non-Finnish European, 0.00025%; no homozygotes.

Submissions (8):

CFTR2
Classification: Pathogenic for Cystic fibrosis. Last evaluated: 2017-03-17. Review status: reviewed by expert panel. Criteria: Sosnay PR et al. (Nat Genet 2013). Collection method: research. Allele origin: germline. Affected: yes. Study: CFTR2.

Blueprint Genetics
Classification: Pathogenic for CFTR-related disorders. Last evaluated: 2024-08-02. Review status: criteria provided, single submitter. Criteria: ACMG Guidelines, 2015. Collection method: clinical testing. Allele origin: germline. Affected: yes. Observed: 1 variant allele. Not counted in ClinVar's aggregate classification.

Women's Health and Genetics/Laboratory Corporation of America, LabCorp
Classification: Pathogenic for Cystic fibrosis. Last evaluated: 2023-06-14. Review status: criteria provided, single submitter. Criteria: LabCorp Variant Classification Summary - May 2015. Collection method: clinical testing. Allele origin: germline. Not counted in ClinVar's aggregate classification.
Comment: Variant summary: CFTR c.1572C>A (p.Cys524X) results in a premature termination codon, predicted to cause an absence of the protein due to nonsense mediated decay, which is a commonly known mechanism for disease. The variant allele was found at a frequency of 4e-06 in 250906 control chromosomes. c.1572C>A has been reported in the literature in individuals affected with Cystic Fibrosis (example, Shuber_1997, Zheng_2017, McCague_2019, Chen_2021, Bresnick_2021). These data indicate that the variant is likely to be associated with disease. The following publications have been ascertained in the context of this evaluation (PMID: 34857524, 34315429, 30888834, 9147636, 27717243). Multiple clinical diagnostic laboratories and a database (CFTR2) have submitted clinical-significance assessments for this variant to ClinVar after 2014 without evidence for independent evaluation. All submitters classified the variant as pathogenic. Based on the evidence outlined above, the variant was classified as pathogenic.

Baylor Genetics
Classification: Pathogenic for Bronchiectasis with or without elevated sweat chloride 1. Last evaluated: 2022-05-09. Review status: criteria provided, single submitter. Criteria: ACMG Guidelines, 2015. Collection method: clinical testing. Allele origin: unknown. Not counted in ClinVar's aggregate classification.

Labcorp Genetics (formerly Invitae), Labcorp
Classification: Pathogenic for Cystic fibrosis. Last evaluated: 2019-12-19. Review status: criteria provided, single submitter. Criteria: Invitae Variant Classification Sherloc (09022015). Collection method: clinical testing. Allele origin: germline. Not counted in ClinVar's aggregate classification.
Comment: Loss-of-function variants in CFTR are known to be pathogenic (PMID: 1695717, 7691345, 9725922). For these reasons, this variant has been classified as Pathogenic. This variant has been observed in individual(s) with cystic fibrosis (PMID: 1284466, 27717243). ClinVar contains an entry for this variant (Variation ID: 7151). This sequence change creates a premature translational stop signal (p.Cys524*) in the CFTR gene. It is expected to result in an absent or disrupted protein product. This variant is not present in population databases (ExAC no frequency).

Myriad Genetics, Inc.
Classification: Likely pathogenic for Cystic fibrosis. Last evaluated: 2019-11-12. Review status: criteria provided, single submitter. Criteria: Myriad Women's Health Autosomal Recessive and X-Linked Classification Criteria (2019). Collection method: clinical testing. Allele origin: unknown. Not counted in ClinVar's aggregate classification.
Comment: NM_000492.3(CFTR):c.1572C>A(C524*) is classified as likely pathogenic in the context of cystic fibrosis. Sources cited for classification include the following: PMID 9003508 and 1284466. Classification of NM_000492.3(CFTR):c.1572C>A(C524*) is based on the following criteria: The variant causes a premature termination codon that is expected to be targeted by nonsense-mediated mRNA decay and is observed in an individual with the relevant phenotype. Please note: this variant was assessed in the context of healthy population screening.

Natera, Inc.
Classification: Pathogenic for CFTR-related disorders. Last evaluated: 2017-03-17. Review status: no assertion criteria provided. Collection method: clinical testing. Allele origin: germline. Not counted in ClinVar's aggregate classification.

OMIM
Classification: Pathogenic for CYSTIC FIBROSIS. Last evaluated: 1992-04-01. Review status: no assertion criteria provided. Collection method: literature only. Allele origin: germline. Not counted in ClinVar's aggregate classification.

Literature cited by the submitters: PubMed 30888834 (cited by Women's Health and Genetics/Laboratory Corporation of America, LabCorp); PubMed 27717243 (cited by Women's Health and Genetics/Laboratory Corporation of America, LabCorp and Labcorp Genetics (formerly Invitae), Labcorp); PubMed 9147636 (cited by Women's Health and Genetics/Laboratory Corporation of America, LabCorp); PubMed 34857524 (cited by Women's Health and Genetics/Laboratory Corporation of America, LabCorp); PubMed 34315429 (cited by Women's Health and Genetics/Laboratory Corporation of America, LabCorp); PubMed 1695717 (cited by Labcorp Genetics (formerly Invitae), Labcorp); PubMed 7691345 (cited by Labcorp Genetics (formerly Invitae), Labcorp); PubMed 9725922 (cited by Labcorp Genetics (formerly Invitae), Labcorp); PubMed 1284466 (cited by 3 submitters); PubMed 9003508 (cited by Myriad Genetics, Inc.).